The following is an entry in ClinVar:

NM_133379.5(TTN):c.10844G>A (p.Arg3615Gln)

Gene: TTN (titin; minus strand). Cytogenetic location: 2q31.2.
Variant type: single nucleotide variant.
Coding change: c.10844G>A on transcript NM_133379.5; coding-DNA position 10844, G replaced by A.
Protein change: p.Arg3615Gln; replaces arginine 3615 with glutamine.
Molecular consequence: missense variant. On other transcripts: intron variant (6).
Genome position (GRCh38, 1-based): chr2:178,751,556, C>T on the plus strand (G>A on the coding strand, the complement: TTN is on the minus strand). VCF-style: chr2-178751556-C-T. GRCh37 (hg19) VCF-style: chr2-179616283-C-T.
Other names: c.10222+1568G>A (NM_003319.4); c.10798+1568G>A (NM_133437.4); c.10597+1568G>A (NM_133432.3); c.10360+1568G>A (NM_133378.4, NM_001256850.1); c.11311+1568G>A (NM_001267550.2); c.10844G>A (NM_133379.4); short protein forms R3615Q.
Identifiers: ClinVar variation 425249 (VCV000425249.47), dbSNP rs747054427, ClinGen allele CA2003835.

ClinVar aggregate classification (germline): Conflicting classifications of pathogenicity. Review status: criteria provided, conflicting classifications (1 of 4 stars). 5 submissions from 5 submitters: Uncertain significance (3); Likely benign (2). Last evaluated 2026-05-27.

Conditions:
TTN-related disorder. Also called: TTN-related disorders; TTN-related condition; TTN-related disease.
Autosomal recessive limb-girdle muscular dystrophy type 2J (LGMDR10). Also called: MUSCULAR DYSTROPHY, LIMB-GIRDLE, AUTOSOMAL RECESSIVE 10; Limb-girdle muscular dystrophy, type 2J. Identifiers: Orphanet 140922, MedGen C1837342, MONDO:0012127, OMIM 608807.
Hypertrophic cardiomyopathy 9. Also called: Familial hypertrophic cardiomyopathy 9. Identifiers: MedGen C1861065, MONDO:0013412, OMIM 613765.
Myopathy, myofibrillar, 9, with early respiratory failure (MFM9). Also called: MYOPATHY, PROXIMAL, WITH EARLY RESPIRATORY MUSCLE INVOLVEMENT; Myopathy, distal, with early respiratory failure, autosomal dominant; EDSTROM MYOPATHY; Hereditary myopathy with early respiratory failure. Identifiers: Orphanet 178464, Orphanet 34521, MedGen C1863599, MONDO:0011362, OMIM 603689.
Tibial muscular dystrophy (TMD). Also called: UDD MYOPATHY; Udd Distal Myopathy – Tibial Muscular Dystrophy; Tibial muscular dystrophy, tardive. Identifiers: Orphanet 609, MedGen C1838244, MONDO:0010870, OMIM 600334.
Early-onset myopathy with fatal cardiomyopathy (CMYO5). Also called: CONGENITAL MYOPATHY 5 WITH CARDIOMYOPATHY; Salih Myopathy. Identifiers: Orphanet 289377, MedGen C2673677, MONDO:0012714, OMIM 611705. Disease mechanism: loss of function.
Dilated cardiomyopathy 1G (CMD1G). Identifiers: Orphanet 154, MedGen C1858763, MONDO:0011400, OMIM 604145.

Allele frequency attached by ClinVar (database versions not stated): gnomAD exomes 0.00004 and 0.00011; TOPMed 0.00006; ExAC 0.00009; gnomAD 0.00012 and 0.00013.
gnomAD v4.1: 86 of 1,613,030 alleles (0.0053%); highest among the groups gnomAD compares: Middle Eastern, 0.016%; no homozygotes.

Submissions (5):

PreventionGenetics, part of Exact Sciences
Classification: Uncertain significance for TTN-related condition. Last evaluated: 2026-05-27. Review status: criteria provided, single submitter. Criteria: ACMG Guidelines, 2015. Collection method: clinical testing. Allele origin: germline.
Comment: The TTN c.10844G>A variant is predicted to result in the amino acid substitution p.Arg3615Gln. This variant is also referred to as c.10844G>A (p.Arg3615Gln) in the Novex-3 transcript NM_133379. This variant is located in exon 46 of the Novex-3 transcript (minor small cardiac isoform) which is the last exon of this transcript. This exon is not included in any other TTN transcripts (principle cardiac or skeletal muscle isoforms). To our knowledge, this variant has not been reported in the literature. This variant is reported in 0.072% of alleles in individuals of European (Finnish) descent in gnomAD. Although we suspect that this variant may be benign, at this time, the clinical significance of this variant is uncertain due to the absence of conclusive functional and genetic evidence.

Molecular Diagnostic Laboratory for Inherited Cardiovascular Disease, Montreal Heart Institute
Classification: Likely benign. Last evaluated: 2025-04-09. Review status: criteria provided, single submitter. Criteria: ACMG Guidelines, 2015. Collection method: clinical testing. Allele origin: germline. Affected: no.

Blueprint Genetics
Classification: Likely benign. Last evaluated: 2024-04-02. Review status: criteria provided, single submitter. Criteria: ACMG Guidelines, 2015. Collection method: clinical testing. Allele origin: germline.

Fulgent Genetics
Classification: Uncertain significance for Tibial muscular dystrophy; Myopathy, myofibrillar, 9, with early respiratory failure; Dilated cardiomyopathy 1G; Autosomal recessive limb-girdle muscular dystrophy type 2J; Early-onset myopathy with fatal cardiomyopathy; Hypertrophic cardiomyopathy 9. Last evaluated: 2021-09-01. Review status: criteria provided, single submitter. Criteria: ACMG Guidelines, 2015. Collection method: clinical testing. Allele origin: unknown.

CeGaT Center for Human Genetics Tuebingen
Classification: Uncertain significance. Last evaluated: 2016-06-01. Review status: criteria provided, single submitter. Criteria: CeGaT Center For Human Genetics Tuebingen Variant Classification Criteria Version 2. Collection method: clinical testing. Allele origin: germline. Affected: yes. Observed: 1 variant allele.